The following is an entry in ClinVar:

ClinVar aggregate classification (germline): Uncertain significance. Review status: criteria provided, multiple submitters, no conflicts (2 of 4 stars). 2 submissions from 2 submitters: Uncertain significance (2). Last evaluated 2025-02-20.

Conditions:
Inborn genetic diseases. Identifiers: MedGen C0950123, MeSH D030342.

Allele frequency attached by ClinVar (database versions not stated): ExAC 0.00001; gnomAD 0.00001; TOPMed 0.00001; gnomAD exomes 0.00002.
gnomAD v4.1: 28 of 1,613,884 alleles (0.0017%); highest among the groups gnomAD compares: Non-Finnish European, 0.0023%; no homozygotes.

Submissions (2):

Labcorp Genetics (formerly Invitae), Labcorp
Classification: Uncertain significance. Last evaluated: 2025-02-20. Review status: criteria provided, single submitter. Criteria: Invitae Variant Classification Sherloc (09022015). Collection method: clinical testing. Allele origin: germline.
Comment: This sequence change replaces aspartic acid, which is acidic and polar, with glycine, which is neutral and non-polar, at codon 176 of the ALX4 protein (p.Asp176Gly). This variant is present in population databases (rs756876669, gnomAD 0.003%). This variant has not been reported in the literature in individuals affected with ALX4-related conditions. ClinVar contains an entry for this variant (Variation ID: 2334581). An algorithm developed to predict the effect of missense changes on protein structure and function (PolyPhen-2) suggests that this variant is likely to be disruptive. In summary, the available evidence is currently insufficient to determine the role of this variant in disease. Therefore, it has been classified as a Variant of Uncertain Significance.

Ambry Genetics
Classification: Uncertain significance for Inborn genetic diseases. Last evaluated: 2022-12-13. Review status: criteria provided, single submitter. Criteria: Ambry Variant Classification Scheme 2023. Collection method: clinical testing. Allele origin: germline.

NM_021926.4(ALX4):c.527A>G (p.Asp176Gly)

Gene: ALX4 (ALX homeobox 4; minus strand). Cytogenetic location: 11p11.2.
Variant type: single nucleotide variant.
Coding change: c.527A>G on transcript NM_021926.4 (MANE Select); coding-DNA position 527, A replaced by G.
Protein change: p.Asp176Gly; replaces aspartic acid 176 with glycine.
Molecular consequence: missense variant.
Genome position (GRCh38, 1-based): chr11:44,275,598, T>C on the plus strand (A>G on the coding strand, the complement: ALX4 is on the minus strand). VCF-style: chr11-44275598-T-C. GRCh37 (hg19) VCF-style: chr11-44297148-T-C.
Other names: short protein forms D176G.
Identifiers: ClinVar variation 2334581 (VCV002334581.5), dbSNP rs756876669, ClinGen allele CA5955713.